The following is an entry in ClinVar:

ClinVar aggregate classification (germline): Uncertain significance (1 of 4 stars; one submission).

Submission:

GeneDx
Classification: Uncertain significance. Last evaluated: 2024-04-29. Review status: criteria provided, single submitter. Criteria: GeneDx Variant Classification Process June 2021. Collection method: clinical testing. Allele origin: germline. Affected: yes.
Comment: Not observed at significant frequency in large population cohorts (gnomAD); In-frame deletion of 2 amino acids in a non-repeat region; In silico analysis indicates that this variant does not alter protein structure/function; Has not been previously published as pathogenic or benign to our knowledge

NM_020134.4(DPYSL5):c.901_906del (p.Arg301_Leu302del)

Gene: DPYSL5 (dihydropyrimidinase like 5; plus strand). Cytogenetic location: 2p23.3.
Variant type: Deletion.
Coding change: c.901_906del on transcript NM_020134.4 (MANE Select); coding-DNA positions 901 to 906, 6 bases deleted (AGACTG; older notation c.901_906delAGACTG).
Protein change: p.Arg301_Leu302del.
Genome position (GRCh38, 1-based): chr2:26,934,688-26,934,693, AGACTG deleted; deleting any 6 consecutive bases within chr2:26,934,685-26,934,693 gives the same sequence; the c. name uses the placement nearest the transcript's 3' end. VCF-style (leftmost placement, unchanged base first): chr2-26934684-CCTGAGA-C. GRCh37 (hg19) VCF-style: chr2-27157552-CCTGAGA-C.
Other names: c.901_906del, p.Arg301_Leu302del (NM_001253723.2, NM_001253724.2).
Identifiers: ClinVar variation 3373098 (VCV003373098.1).